The following is an entry in ClinVar:

ClinVar aggregate classification (germline): Likely pathogenic (1 of 4 stars; one submission).

Conditions:
Polycystic kidney disease, adult type (PKD1). Also called: POLYCYSTIC KIDNEY DISEASE 1 WITH OR WITHOUT POLYCYSTIC LIVER DISEASE; POLYCYSTIC KIDNEY DISEASE, ADULT, TYPE I; Polycystic Kidney Disease 1, Autosomal Dominant; Polycystic kidney disease 1; Polycystic kidney disease 1, severe; Polycystic Kidney, Autosomal Dominant. Identifiers: MedGen C3149841, MONDO:0008263, OMIM 173900.

Submission:

Baylor Genetics
Classification: Likely pathogenic for Polycystic kidney disease, adult type. Last evaluated: 2018-02-12. Review status: criteria provided, single submitter. Criteria: ACMG Guidelines, 2015. Collection method: clinical testing. Allele origin: maternal. Affected: yes.
Comment: This variant was determined to be likely pathogenic according to ACMG Guidelines, 2015 [PMID:25741868].

NM_001009944.3(PKD1):c.11565_11571dup (p.Ser3858fs)

Genes: PKD1 (polycystin 1, transient receptor potential channel interacting; minus strand), PKD1-AS1 (PKD1 antisense RNA 1; plus strand). Cytogenetic location: 16p13.3.
Variant type: Duplication.
Coding change: c.11565_11571dup on transcript NM_001009944.3 (MANE Select); coding-DNA positions 11565 to 11571, 7 bases duplicated (GCGCTAC; older notation c.11565_11571dupGCGCTAC).
Protein change: p.Ser3858fs; shifts the reading frame from serine 3858.
Molecular consequence: frameshift variant. On other transcripts: non-coding transcript variant (1).
Genome position (GRCh38, 1-based): chr16:2,091,564-2,091,570, GTAGCGC duplicated on the plus strand (GCGCTAC on the coding strand, the reverse complement: PKD1 is on the minus strand); duplicating any 7 consecutive bases within chr16:2,091,564-2,091,572 gives the same sequence; the c. name uses the placement nearest the transcript's 3' end. VCF-style (leftmost placement, unchanged base first): chr16-2091563-T-TGTAGCGC. GRCh37 (hg19) VCF-style: chr16-2141564-T-TGTAGCGC.
Other names: c.11562_11568dup, p.Ser3857fs (NM_000296.4); short protein forms S3857fs, S3858fs.
Identifiers: ClinVar variation 1033193 (VCV001033193.1), dbSNP rs2091579496, ClinGen allele CA2202017612.